The following is an entry in ClinVar:

NM_000049.4(ASPA):c.432+1G>C

Genes: ASPA (aspartoacylase; plus strand), SPATA22 (spermatogenesis associated 22; minus strand). Cytogenetic location: 17p13.2.
Variant type: single nucleotide variant.
Coding change: c.432+1G>C on transcript NM_000049.4 (MANE Select); the canonical splice donor site of the intron after coding-DNA position 432, G replaced by C.
Molecular consequence: splice donor variant. On other transcripts: intron variant (2).
Genome position (GRCh38, 1-based): chr17:3,481,799, G>C. VCF-style: chr17-3481799-G-C. GRCh37 (hg19) VCF-style: chr17-3385093-G-C.
Other names: c.-73-12401C>G (NM_001321336.2, NM_001321337.2); c.432+1G>C (NM_001128085.1).
Identifiers: ClinVar variation 1505894 (VCV001505894.8), dbSNP rs2150746934, ClinGen allele CA397682629.
Genomic context (GRCh38, chr17:3,481,799, plus strand): 5'-ACTCTTATTCTTGAGGATTCCAGGAATAACTTTTTAATTCAGATGTTTCATTACATTAAG[G>C]TAATGTTAATGTTATTAATTTATAAGTTAGCAAAGGACTTGTACTTTTAAGTCAATTATG-3'

ClinVar aggregate classification (germline): Likely pathogenic (1 of 4 stars; one submission).

Conditions:
Spongy degeneration of central nervous system. Also called: ACY2 DEFICIENCY; AMINOACYLASE 2 DEFICIENCY; ASP DEFICIENCY; ASPA DEFICIENCY; ASPARTOACYLASE DEFICIENCY; CANAVAN-VAN BOGAERT-BERTRAND DISEASE. Identifiers: Orphanet 141, MedGen C0206307, MONDO:0010079, OMIM 271900.

Submission:

Labcorp Genetics (formerly Invitae), Labcorp
Classification: Likely pathogenic for Spongy degeneration of central nervous system. Last evaluated: 2021-03-13. Review status: criteria provided, single submitter. Criteria: Invitae Variant Classification Sherloc (09022015). Collection method: clinical testing. Allele origin: germline.
Comment: In summary, the currently available evidence indicates that the variant is pathogenic, but additional data are needed to prove that conclusively. Therefore, this variant has been classified as Likely Pathogenic. Algorithms developed to predict the effect of sequence changes on RNA splicing suggest that this variant may disrupt the consensus splice site, but this prediction has not been confirmed by published transcriptional studies. Disruption of this splice site has been observed in individual(s) with clinical features of Canavan disease (PMID: 17999961). This variant is not present in population databases (ExAC no frequency). This sequence change affects a donor splice site in intron 2 of the ASPA gene. It is expected to disrupt RNA splicing. Variants that disrupt the donor or acceptor splice site typically lead to a loss of protein function (PMID: 16199547), and loss-of-function variants in ASPA are known to be pathogenic (PMID: 12638939).

Literature cited by the submitters: PubMed 17999961; PubMed 16199547; PubMed 12638939.